The following is an entry in ClinVar:

GRCh37/hg19 17q12(chr17:34508117-36248918)x3

Genes: AATF (apoptosis antagonizing transcription factor; plus strand), ACACA (acetyl-CoA carboxylase alpha; minus strand), C17orf78 (chromosome 17 open reading frame 78; plus strand), CCL3L3 (C-C motif chemokine ligand 3 like 3; minus strand), CCL4L2 (C-C motif chemokine ligand 4 like 2; plus strand) and 36 more. Cytogenetic location: 17q12.
Variant type: copy number gain.
Change: copy number 3 (three copies instead of two) of chr17:34,508,117-36,248,918 (1.74 Mb, GRCh37 coordinates, 1-based), cytogenetic band 17q12.
Identifiers: ClinVar variation 160929 (VCV000160929.1).

ClinVar aggregate classification (germline): Pathogenic. Review status: criteria provided, multiple submitters, no conflicts (2 of 4 stars). 2 submissions from 2 submitters: Pathogenic (2). Last evaluated 2011-08-12.

Submissions (2):

ISCA site 14
Classification: Pathogenic. Last evaluated: 2011-08-12. Review status: criteria provided, single submitter. Criteria: Kaminsky et al. (Genet Med. 2011). Collection method: clinical testing. Allele origin: de novo. Affected: yes. Observed: 1 variant allele.
Comment: Copy number variation identified through the course of routine clinical cytogenomic testing in postnatal populations. Clinical assertions have been curated as described in Kaminsky et al. 2011.

ISCA site 4
Classification: Pathogenic. Last evaluated: 2011-08-12. Review status: criteria provided, single submitter. Criteria: Kaminsky et al. (Genet Med. 2011). Collection method: clinical testing. Allele origin: unknown. Affected: yes. Observed: 1 variant allele.
Comment: the same text as in the submission from ISCA site 14 above.